The following is an entry in ClinVar:

NC_000003.11:g.(?_123512504)_(123634585_?)dup

Genes: MYLK (myosin light chain kinase; minus strand), CCDC14 (coiled-coil domain containing 14; minus strand). Cytogenetic location: 3q21.1.
Variant type: Duplication.
Identifiers: ClinVar variation 3246913 (VCV003246913.1).

ClinVar aggregate classification (germline): Uncertain significance (1 of 4 stars; one submission).

Conditions:
Aortic aneurysm, familial thoracic 7 (AAT7). Also called: AORTIC DISSECTION, FAMILIAL, WITH OR WITHOUT AORTIC ANEURYSM. Identifiers: MedGen C3151077, MONDO:0013418, OMIM 613780.

Submission:

Labcorp Genetics (formerly Invitae), Labcorp
Classification: Uncertain significance for Aortic aneurysm, familial thoracic 7. Last evaluated: 2023-04-24. Review status: criteria provided, single submitter. Criteria: Invitae Variant Classification Sherloc (09022015). Collection method: clinical testing. Allele origin: unknown.
Comment: In summary, the available evidence is currently insufficient to determine the role of this variant in disease. Therefore, it has been classified as a Variant of Uncertain Significance. This variant has not been reported in the literature in individuals affected with MYLK-related conditions. This variant results in a copy number gain of the genomic region encompassing exon(s) 1-4 of the MYLK gene. This region includes the initiator codon of the gene. This copy number gain extends beyond the assayed region for this gene and therefore may encompass additional genes. As the precise location of this event is unknown, it may be in tandem or it may be located elsewhere in the genome.